The following is an entry in ClinVar:

NM_018341.3(ERMARD):c.811A>T (p.Met271Leu)

Gene: ERMARD (ER membrane associated RNA degradation; plus strand). Cytogenetic location: 6q27.
Variant type: single nucleotide variant.
Coding change: c.811A>T on transcript NM_018341.3 (MANE Select); coding-DNA position 811, A replaced by T.
Protein change: p.Met271Leu; replaces methionine 271 with leucine.
Molecular consequence: missense variant.
Genome position (GRCh38, 1-based): chr6:169,760,710, A>T. VCF-style: chr6-169760710-A-T. GRCh37 (hg19) VCF-style: chr6-170160806-A-T.
Other names: c.811A>T, p.Met271Leu (NM_001278533.2, NM_001278531.2); c.433A>T, p.Met145Leu (NM_001410957.1, NM_001278532.2); short protein forms M271L, M145L.
Identifiers: ClinVar variation 3607991 (VCV003607991.2).
Genomic context (GRCh38, chr6:169,760,710, plus strand): 5'-TATGAGGTGCTTTCAGTATTAGAAGAAGTGATGATGAAATCTGCTTTTATATTAAAAATC[A>T]TGTTACCATATTGGGAAGTTGCACTGGTCAAGTTCAAGTCACACAGGTAACTAAAGGGTA-3'
Protein context (NP_060811.1, residues 261-281): MMKSAFILKI[Met271Leu]LPYWEVALVK

ClinVar aggregate classification (germline): Uncertain significance (1 of 4 stars; one submission).

gnomAD v4.1: 7 of 1,613,904 alleles (0.00043%); highest among the groups gnomAD compares: Non-Finnish European, 0.00059%; no homozygotes.

Submission:

Labcorp Genetics (formerly Invitae), Labcorp
Classification: Uncertain significance. Last evaluated: 2025-10-22. Review status: criteria provided, single submitter. Criteria: Invitae Variant Classification Sherloc (09022015). Collection method: clinical testing. Allele origin: germline.
Comment: This sequence change replaces methionine, which is neutral and non-polar, with leucine, which is neutral and non-polar, at codon 271 of the ERMARD protein (p.Met271Leu). This variant is present in population databases (no rsID available, gnomAD 0.007%). This variant has not been reported in the literature in individuals affected with ERMARD-related conditions. ClinVar contains an entry for this variant (Variation ID: 3607991). Invitae Evidence Modeling of protein sequence and biophysical properties (such as structural, functional, and spatial information, amino acid conservation, physicochemical variation, residue mobility, and thermodynamic stability) indicates that this missense variant is expected to disrupt ERMARD protein function with a positive predictive value of 80%. In summary, the available evidence is currently insufficient to determine the role of this variant in disease. Therefore, it has been classified as a Variant of Uncertain Significance.